The following is an entry in ClinVar:

NM_002769.5(PRSS1):c.281T>A (p.Ile94Asn)

Genes: PRSS1 (serine protease 1; plus strand), TRB (T cell receptor beta locus; plus strand). Cytogenetic location: 7q34.
Variant type: single nucleotide variant.
Coding change: c.281T>A on transcript NM_002769.5 (MANE Select); coding-DNA position 281, T replaced by A.
Protein change: p.Ile94Asn; replaces isoleucine 94 with asparagine.
Molecular consequence: missense variant. On other transcripts: non-coding transcript variant (4).
Genome position (GRCh38, 1-based): chr7:142,751,854, T>A. VCF-style: chr7-142751854-T-A. GRCh37 (hg19) VCF-style: chr7-142459705-T-A.
Other names: short protein forms I94N.
Identifiers: ClinVar variation 3310647 (VCV003310647.1).
Genomic context (GRCh38, chr7:142,751,854, plus strand): 5'-GAGAGCACAACATCGAAGTCCTGGAGGGGAATGAGCAGTTCATCAATGCAGCCAAGATCA[T>A]CCGCCACCCCCAATACGACAGGAAGACTCTGAACAATGACATCATGTTAATCAAGCTCTC-3'
Protein context (NP_002760.1, residues 84-104): NEQFINAAKI[Ile94Asn]RHPQYDRKTL

ClinVar aggregate classification (germline): Uncertain significance (1 of 4 stars; one submission).

Conditions:
Hereditary pancreatitis (PCTT). Also called: PRSS1-Related Hereditary Pancreatitis; Hereditary chronic pancreatitis. Identifiers: Orphanet 676, MedGen C0238339, MONDO:0008185, OMIM 167800.

Submission:

Ambry Genetics
Classification: Uncertain significance for Hereditary pancreatitis. Last evaluated: 2024-04-27. Review status: criteria provided, single submitter. Criteria: Ambry Variant Classification Scheme 2023. Collection method: clinical testing. Allele origin: germline.
Comment: The p.I94N variant (also known as c.281T>A), located in coding exon 3 of the PRSS1 gene, results from a T to A substitution at nucleotide position 281. The isoleucine at codon 94 is replaced by asparagine, an amino acid with dissimilar properties. This amino acid position is conserved. In addition, the in silico prediction for this alteration is inconclusive. Based on the available evidence, the clinical significance of this variant remains unclear.